The following is an entry in ClinVar:

NM_004260.4(RECQL4):c.3013C>T (p.Arg1005Trp)

Gene: RECQL4 (RecQ like helicase 4; minus strand). Cytogenetic location: 8q24.3.
Variant type: single nucleotide variant.
Coding change: c.3013C>T on transcript NM_004260.4 (MANE Select); coding-DNA position 3013, C replaced by T.
Protein change: p.Arg1005Trp; replaces arginine 1005 with tryptophan.
Molecular consequence: missense variant.
Genome position (GRCh38, 1-based): chr8:144,512,434, G>A on the plus strand (C>T on the coding strand, the complement: RECQL4 is on the minus strand). VCF-style: chr8-144512434-G-A. GRCh37 (hg19) VCF-style: chr8-145737817-G-A.
Other names: short protein forms R1005W.
Identifiers: ClinVar variation 459448 (VCV000459448.16), dbSNP rs368982201, ClinGen allele CA4947972.

ClinVar aggregate classification (germline): Uncertain significance. Review status: criteria provided, multiple submitters, no conflicts (2 of 4 stars). 5 submissions from 5 submitters: Uncertain significance (5). Last evaluated 2026-07-22.

Conditions:
RECQL4-related disorder. Also called: RECQL4-related disorders; RECQL4-related condition.
Baller-Gerold syndrome (BGS). Also called: CRANIOSYNOSTOSIS WITH RADIAL DEFECTS. Identifiers: Orphanet 1225, MedGen C0265308, MONDO:0009039, OMIM 218600.
Rothmund-Thomson syndrome type 2 (RTS2). Identifiers: Orphanet 221016, MedGen C5203410, MONDO:0016369, OMIM 268400.
Rapadilino syndrome. Identifiers: Orphanet 3021, MedGen C1849453, MONDO:0009955, OMIM 266280.

Allele frequency attached by ClinVar (database versions not stated): gnomAD exomes 0.00006; ExAC 0.00009; gnomAD 0.00021 and 0.00022; TOPMed 0.00027; ESP Exome Variant Server 0.00039.

Submissions (7):

PreventionGenetics, part of Exact Sciences
Classification: Uncertain significance for RECQL4-related condition. Last evaluated: 2026-07-22. Review status: criteria provided, single submitter. Criteria: ACMG Guidelines, 2015. Collection method: clinical testing. Allele origin: germline.
Comment: The RECQL4 c.3013C>T variant is predicted to result in the amino acid substitution p.Arg1005Trp. To our knowledge, this variant has not been reported in the literature. This variant is reported in 0.072% of alleles in individuals of African descent in gnomAD and is classified as uncertain in ClinVar (Variation ID: 459448). Although we suspect that this variant may be benign, at this time, the clinical significance of this variant is uncertain due to the absence of conclusive functional and genetic evidence.

Labcorp Genetics (formerly Invitae), Labcorp
Classification: Uncertain significance for Baller-Gerold syndrome. Last evaluated: 2026-01-16. Review status: criteria provided, single submitter. Criteria: Invitae Variant Classification Sherloc (09022015). Collection method: clinical testing. Allele origin: germline.
Comment: This sequence change replaces arginine, which is basic and polar, with tryptophan, which is neutral and slightly polar, at codon 1005 of the RECQL4 protein (p.Arg1005Trp). This variant is present in population databases (rs368982201, gnomAD 0.07%). This missense change has been observed in individual(s) with RECQL4-related conditions (PMID: 36315513). ClinVar contains an entry for this variant (Variation ID: 459448). Invitae Evidence Modeling of protein sequence and biophysical properties (such as structural, functional, and spatial information, amino acid conservation, physicochemical variation, residue mobility, and thermodynamic stability) indicates that this missense variant is expected to disrupt RECQL4 protein function with a positive predictive value of 80%. In summary, the available evidence is currently insufficient to determine the role of this variant in disease. Therefore, it has been classified as a Variant of Uncertain Significance.

Dasa
Classification: Uncertain significance. Last evaluated: 2025-05-28. Review status: criteria provided, single submitter. Criteria: DASA Assertion Criteria. Collection method: clinical testing. Allele origin: germline.
Comment: NM_004260.4(RECQL4):c.3013C>T (p.Arg1005Trp) is a missense variant that results in the substitution of arginine with tryptophan. This variant is rare in population databases. The currently available literature and clinical evidence are not sufficient to establish a definitive association between this variant and the reported condition. Therefore, this variant is classified as a variant of uncertain significance.

Fulgent Genetics
Classification: Uncertain significance for Baller-Gerold syndrome; Rapadilino syndrome; Rothmund-Thomson syndrome type 2. Last evaluated: 2022-05-13. Review status: criteria provided, single submitter. Criteria: ACMG Guidelines, 2015. Collection method: clinical testing. Allele origin: unknown.

Revvity Omics, Revvity
Classification: Uncertain significance. Last evaluated: 2022-04-01. Review status: criteria provided, single submitter. Criteria: ACMG Guidelines, 2015. Collection method: clinical testing. Allele origin: germline.

Dr. Peter K. Rogan Lab, Western University
No classification provided (evidence only). Condition: Hepatocellular carcinoma. Review status: no classification provided. Collection method: in vitro. Allele origin: not applicable. Functional consequence: retained intron. Not counted in ClinVar's aggregate classification.

Dr. Peter K. Rogan Lab, Western University
No classification provided (evidence only). Condition: Gastric cancer. Review status: no classification provided. Collection method: in vitro. Allele origin: not applicable. Functional consequence: retained intron. Not counted in ClinVar's aggregate classification.

Literature cited by the submitters: PubMed 36315513 (cited by Labcorp Genetics (formerly Invitae), Labcorp).